The following is an entry in ClinVar:

ClinVar aggregate classification (germline): Uncertain significance (1 of 4 stars; one submission).

Allele frequency attached by ClinVar (database versions not stated): ESP Exome Variant Server 0.00009; gnomAD 0.00001; ExAC 0.00002; TOPMed 0.00002; gnomAD exomes 0.00001.
gnomAD v4.1: 8 of 1,202,351 alleles (0.00067%); highest among the groups gnomAD compares: Admixed American, 0.0044%; no homozygotes.

Submission:

Labcorp Genetics (formerly Invitae), Labcorp
Classification: Uncertain significance. Last evaluated: 2025-06-18. Review status: criteria provided, single submitter. Criteria: Invitae Variant Classification Sherloc (09022015). Collection method: clinical testing. Allele origin: germline.
Comment: This sequence change replaces arginine, which is basic and polar, with histidine, which is basic and polar, at codon 180 of the MSN protein (p.Arg180His). The frequency data for this variant in the population databases is considered unreliable, as metrics indicate poor data quality at this position in the gnomAD database. This variant has not been reported in the literature in individuals affected with MSN-related conditions. ClinVar contains an entry for this variant (Variation ID: 2980082). An algorithm developed to predict the effect of missense changes on protein structure and function (PolyPhen-2) suggests that this variant is likely to be tolerated. In summary, the available evidence is currently insufficient to determine the role of this variant in disease. Therefore, it has been classified as a Variant of Uncertain Significance.

NM_002444.3(MSN):c.539G>A (p.Arg180His)

Gene: MSN (moesin; plus strand). Cytogenetic location: Xq12.
Variant type: single nucleotide variant.
Coding change: c.539G>A on transcript NM_002444.3 (MANE Select); coding-DNA position 539, G replaced by A.
Protein change: p.Arg180His; replaces arginine 180 with histidine.
Molecular consequence: missense variant.
Genome position (GRCh38, 1-based): chrX:65,731,178, G>A. VCF-style: chrX-65731178-G-A. GRCh37 (hg19) VCF-style: chrX-64951040-G-A.
Other names: short protein forms R180H.
Identifiers: ClinVar variation 2980082 (VCV002980082.3), dbSNP rs373340100, ClinGen allele CA10434516.
Genomic context (GRCh38, chrX:65,731,178, plus strand): 5'-AGCACAAACTCAACAAGGACCAGTGGGAGGAGCGGATCCAGGTGTGGCATGAGGAACACC[G>A]TGGCATGCTCAGGTAAGCTTGCCCAAGCAGTGGTGGGCCCCACTTCCCTTACAGGGTGAA-3'
Protein context (NP_002435.1, residues 170-190): ERIQVWHEEH[Arg180His]GMLREDAVLE